The following is an entry in ClinVar:

NM_001127208.3(TET2):c.1819G>A (p.Gly607Arg)

Genes: TET2 (tet methylcytosine dioxygenase 2; plus strand), TET2-AS1 (TET2 antisense RNA 1; minus strand). Cytogenetic location: 4q24.
Variant type: single nucleotide variant.
Coding change: c.1819G>A on transcript NM_001127208.3 (MANE Select); coding-DNA position 1819, G replaced by A.
Protein change: p.Gly607Arg; replaces glycine 607 with arginine.
Molecular consequence: missense variant.
Genome position (GRCh38, 1-based): chr4:105,235,761, G>A. VCF-style: chr4-105235761-G-A. GRCh37 (hg19) VCF-style: chr4-106156918-G-A.
Other names: c.1819G>A, p.Gly607Arg (NM_017628.4); short protein forms G607R.
Identifiers: ClinVar variation 135319 (VCV000135319.1), dbSNP rs587778708, ClinGen allele CA162360.

ClinVar aggregate classification (germline): not provided (0 of 4 stars; one submission).

Allele frequency attached by ClinVar (database versions not stated): gnomAD 0.00001 and 0.00003.
gnomAD v4.1: 1 of 1,614,004 alleles (0.000062%); highest among the groups gnomAD compares: Non-Finnish European, 0.000085%; no homozygotes.

Submission:

ITMI
No classification provided. Condition: AllHighlyPenetrant. Last evaluated: 2013-09-19. Review status: no classification provided. Collection method: reference population. Allele origin: germline.
Comment: Please see associated publication for description of ethnicities

Literature cited by the submitters: PubMed 24728327.